The following is an entry in ClinVar:

NM_004655.4(AXIN2):c.1493C>A (p.Pro498His)

Gene: AXIN2 (axin 2; minus strand). Cytogenetic location: 17q24.1.
Variant type: single nucleotide variant.
Coding change: c.1493C>A on transcript NM_004655.4 (MANE Select); coding-DNA position 1493, C replaced by A.
Protein change: p.Pro498His; replaces proline 498 with histidine.
Molecular consequence: missense variant.
Genome position (GRCh38, 1-based): chr17:65,537,543, G>T on the plus strand (C>A on the coding strand, the complement: AXIN2 is on the minus strand). VCF-style: chr17-65537543-G-T. GRCh37 (hg19) VCF-style: chr17-63533661-G-T.
Other names: c.1493C>A (LRG_296t1); c.1493C>A, p.Pro498His (NM_001363813.1); short protein forms P498H.
Identifiers: ClinVar variation 664548 (VCV000664548.12), dbSNP rs1555577765, ClinGen allele CA400677398.

ClinVar aggregate classification (germline): Uncertain significance. Review status: criteria provided, multiple submitters, no conflicts (2 of 4 stars). 2 submissions from 2 submitters: Uncertain significance (2). Last evaluated 2025-08-30.

Conditions:
Hereditary cancer-predisposing syndrome. Also called: Tumor predisposition; Hereditary neoplastic syndrome; Neoplastic Syndromes, Hereditary; Hereditary Cancer Syndrome. Identifiers: Orphanet 140162, MedGen C0027672, MeSH D009386, MONDO:0015356.
Oligodontia-cancer predisposition syndrome. Also called: TOOTH AGENESIS-COLORECTAL CANCER SYNDROME. Identifiers: Orphanet 300576, MedGen C1837750, MONDO:0012075, OMIM 608615. Disease mechanism: loss of function.

Submissions (2):

Labcorp Genetics (formerly Invitae), Labcorp
Classification: Uncertain significance for Oligodontia-cancer predisposition syndrome. Last evaluated: 2025-08-30. Review status: criteria provided, single submitter. Criteria: Invitae Variant Classification Sherloc (09022015). Collection method: clinical testing. Allele origin: germline.
Comment: This sequence change replaces proline, which is neutral and non-polar, with histidine, which is basic and polar, at codon 498 of the AXIN2 protein (p.Pro498His). This variant is not present in population databases (gnomAD no frequency). This variant has not been reported in the literature in individuals affected with AXIN2-related conditions. ClinVar contains an entry for this variant (Variation ID: 664548). An algorithm developed to predict the effect of missense changes on protein structure and function (PolyPhen-2) suggests that this variant is likely to be disruptive. In summary, the available evidence is currently insufficient to determine the role of this variant in disease. Therefore, it has been classified as a Variant of Uncertain Significance.

Ambry Genetics
Classification: Uncertain significance for Hereditary cancer-predisposing syndrome. Last evaluated: 2024-09-08. Review status: criteria provided, single submitter. Criteria: Ambry Variant Classification Scheme 2023. Collection method: clinical testing. Allele origin: germline.
Comment: The p.P498H variant (also known as c.1493C>A), located in coding exon 5 of the AXIN2 gene, results from a C to A substitution at nucleotide position 1493. The proline at codon 498 is replaced by histidine, an amino acid with similar properties. This amino acid position is conserved. In addition, this alteration is predicted to be tolerated by in silico analysis. Since supporting evidence is limited at this time, the clinical significance of this alteration remains unclear.